The following is an entry in ClinVar:

ClinVar aggregate classification (germline): Uncertain significance (1 of 4 stars; one submission).

gnomAD v4.1: 8 of 1,614,174 alleles (0.0005%); highest among the groups gnomAD compares: East Asian, 0.0022%; no homozygotes.

Submission:

GeneDx
Classification: Uncertain significance. Last evaluated: 2024-09-04. Review status: criteria provided, single submitter. Criteria: GeneDx Variant Classification Process June 2021. Collection method: clinical testing. Allele origin: germline. Affected: yes.
Comment: In silico analysis supports that this missense variant has a deleterious effect on protein structure/function; Has not been previously published as pathogenic or benign to our knowledge

NM_020338.4(ZMIZ1):c.2159C>T (p.Ser720Leu)

Gene: ZMIZ1 (zinc finger MIZ-type containing 1; plus strand). Cytogenetic location: 10q22.3.
Variant type: single nucleotide variant.
Coding change: c.2159C>T on transcript NM_020338.4 (MANE Select); coding-DNA position 2159, C replaced by T.
Protein change: p.Ser720Leu; replaces serine 720 with leucine.
Molecular consequence: missense variant.
Genome position (GRCh38, 1-based): chr10:79,304,048, C>T. VCF-style: chr10-79304048-C-T. GRCh37 (hg19) VCF-style: chr10-81063805-C-T.
Other names: short protein forms S720L.
Identifiers: ClinVar variation 3767400 (VCV003767400.1).
Genomic context (GRCh38, chr10:79,304,048, plus strand): 5'-CACCTGTCTGTGCCTCCTGCCCCGCAGTCAAGCGGAATTTCAGCAGCGTGGCTGCCTCCT[C>T]GGGCAACACGACCCTCAACGGGGAGGATGGGGTGGAGCAGACGGCCATCAAGGTGTCTCT-3'
Protein context (NP_065071.1, residues 710-730): KRNFSSVAAS[Ser720Leu]GNTTLNGEDG